The following is an entry in ClinVar:

NM_001172679.2(ZNF764):c.112G>A (p.Glu38Lys)

Gene: ZNF764 (zinc finger protein 764; minus strand). Cytogenetic location: 16p11.2.
Variant type: single nucleotide variant.
Coding change: c.112G>A on transcript NM_001172679.2 (MANE Select); coding-DNA position 112, G replaced by A.
Protein change: p.Glu38Lys; replaces glutamic acid 38 with lysine.
Molecular consequence: missense variant.
Genome position (GRCh38, 1-based): chr16:30,558,071, C>T on the plus strand (G>A on the coding strand, the complement: ZNF764 is on the minus strand). VCF-style: chr16-30558071-C-T. GRCh37 (hg19) VCF-style: chr16-30569392-C-T.
Other names: c.112G>A, p.Glu38Lys (NM_033410.4); short protein forms E38K.
Identifiers: ClinVar variation 4867061 (VCV004867061.1).

ClinVar aggregate classification (germline): Uncertain significance (1 of 4 stars; one submission).

Submission:

Ambry Genetics
Classification: Uncertain significance. Last evaluated: 2026-04-01. Review status: criteria provided, single submitter. Criteria: Ambry Variant Classification Scheme 2023. Collection method: clinical testing. Allele origin: germline.
Comment: The c.112G>A (p.E38K) alteration is located in exon 1 (coding exon 1) of the ZNF764 gene. This alteration results from a G to A substitution at nucleotide position 112, causing the glutamic acid (E) at amino acid position 38 to be replaced by a lysine (K). Based on data from gnomAD, the A allele has an overall frequency of 0.003% (9/276932) total alleles studied. The highest observed frequency was 0.014% (5/35074) of Latino alleles. Based on insufficient or conflicting evidence, the clinical significance of this alteration remains unclear.